The following is an entry in ClinVar:

ClinVar aggregate classification (germline): Likely pathogenic (1 of 4 stars; one submission).

Conditions:
Palmoplantar keratodermas.

Submission:

Genetics Laboratory, Great Ormond Street Hospital NHS Foundation Trust, North Thames Genomic Laboratory Hub
Classification: Likely pathogenic for Palmoplantar keratodermas. Last evaluated: 2026-07-07. Review status: criteria provided, single submitter. Criteria: ACGS Best Practice Guidelines for Variant Classification in Rare Disease 2024 v1.2. Collection method: clinical testing. Allele origin: germline. Affected: yes.
Comment: PM2_moderate, PVS1_strong

NM_002230.4(JUP):c.1429del (p.Arg477fs)

Gene: JUP (junction plakoglobin; minus strand). Cytogenetic location: 17q21.2.
Variant type: Deletion.
Coding change: c.1429del on transcript NM_002230.4 (MANE Select); coding-DNA position 1429, one base deleted (C; older notation c.1429delC).
Protein change: p.Arg477fs; shifts the reading frame from arginine 477.
Molecular consequence: frameshift variant.
Genome position (GRCh38, 1-based): chr17:41,763,051, G deleted on the plus strand (C on the coding strand, the reverse complement: JUP is on the minus strand). VCF-style (leftmost placement, unchanged base first): chr17-41763050-CG-C. GRCh37 (hg19) VCF-style: chr17-39919302-CG-C.
Other names: c.1429del, p.Arg477fs (NM_001352776.2, NM_001352777.2, NM_021991.4 and 3 more transcripts); short protein forms R477fs.
Identifiers: ClinVar variation 4887987 (VCV004887987.1).